The following is an entry in ClinVar:

NM_002295.6(RPSA):c.764C>T (p.Pro255Leu)

Gene: RPSA (ribosomal protein SA; plus strand). Cytogenetic location: 3p22.1.
Variant type: single nucleotide variant.
Coding change: c.764C>T on transcript NM_002295.6 (MANE Select); coding-DNA position 764, C replaced by T.
Protein change: p.Pro255Leu; replaces proline 255 with leucine.
Molecular consequence: missense variant.
Genome position (GRCh38, 1-based): chr3:39,412,032, C>T. VCF-style: chr3-39412032-C-T. GRCh37 (hg19) VCF-style: chr3-39453523-C-T.
Other names: c.779C>T, p.Pro260Leu (NM_001304288.2); short protein forms P260L, P255L.
Identifiers: ClinVar variation 3694914 (VCV003694914.2).
Genomic context (GRCh38, chr3:39,412,032, plus strand): 5'-CTCCTGAGTTCACTGCTACTCAGCCTGAGGTTGCAGACTGGTCTGAAGGTGTACAGGTGC[C>T]CTCTGTGCCTATTCAGCAATTCCCTACTGGTATGTATCAGGATAGAGGTGAATCAAGCTG-3'
Protein context (NP_002286.2, residues 245-265): VADWSEGVQV[Pro255Leu]SVPIQQFPTE

ClinVar aggregate classification (germline): Uncertain significance (1 of 4 stars; one submission).

gnomAD v4.1: 3 of 1,610,040 alleles (0.00019%); highest among the groups gnomAD compares: Non-Finnish European, 0.00017%; no homozygotes.

Submission:

Labcorp Genetics (formerly Invitae), Labcorp
Classification: Uncertain significance. Last evaluated: 2024-02-06. Review status: criteria provided, single submitter. Criteria: Invitae Variant Classification Sherloc (09022015). Collection method: clinical testing. Allele origin: germline.
Comment: This sequence change replaces proline, which is neutral and non-polar, with leucine, which is neutral and non-polar, at codon 255 of the RPSA protein (p.Pro255Leu). This variant is not present in population databases (gnomAD no frequency). This variant has not been reported in the literature in individuals affected with RPSA-related conditions. An algorithm developed to predict the effect of missense changes on protein structure and function (PolyPhen-2) suggests that this variant is likely to be disruptive. In summary, the available evidence is currently insufficient to determine the role of this variant in disease. Therefore, it has been classified as a Variant of Uncertain Significance.